The following is an entry in ClinVar:

NM_012268.4(PLD3):c.52G>A (p.Ala18Thr)

Gene: PLD3 (phospholipase D family member 3; plus strand). Cytogenetic location: 19q13.2.
Variant type: single nucleotide variant.
Coding change: c.52G>A on transcript NM_012268.4 (MANE Select); coding-DNA position 52, G replaced by A.
Protein change: p.Ala18Thr; replaces alanine 18 with threonine.
Molecular consequence: missense variant.
Genome position (GRCh38, 1-based): chr19:40,366,634, G>A. VCF-style: chr19-40366634-G-A. GRCh37 (hg19) VCF-style: chr19-40872541-G-A.
Other names: c.52G>A, p.Ala18Thr (NM_001031696.4, NM_001291311.2); short protein forms A18T.
Identifiers: ClinVar variation 2175370 (VCV002175370.4), dbSNP rs757404195, ClinGen allele CA9442563.
Genomic context (GRCh38, chr19:40,366,634, plus strand): 5'-GCCACCTGTCACCCCCGTTGTTGTCCCCATCCCCAGCTGAAGGTGCCTGCAGAGGAGCCC[G>A]CCAATGAGCTGCCCATGAATGAGATTGAGGCGTGGAAGGCTGCGGAAAAGGTAGGAGCCC-3'
Protein context (NP_036400.2, residues 8-28): QELKVPAEEP[Ala18Thr]NELPMNEIEA

ClinVar aggregate classification (germline): Uncertain significance (1 of 4 stars; one submission).

Allele frequency attached by ClinVar (database versions not stated): TOPMed 0.00002; gnomAD 0.00004.
gnomAD v4.1: 164 of 1,581,894 alleles (0.01%); highest among the groups gnomAD compares: South Asian, 0.12%; 2 homozygotes.

Submission:

Labcorp Genetics (formerly Invitae), Labcorp
Classification: Uncertain significance. Last evaluated: 2025-01-20. Review status: criteria provided, single submitter. Criteria: Invitae Variant Classification Sherloc (09022015). Collection method: clinical testing. Allele origin: germline.
Comment: This sequence change replaces alanine, which is neutral and non-polar, with threonine, which is neutral and polar, at codon 18 of the PLD3 protein (p.Ala18Thr). This variant is present in population databases (rs757404195, gnomAD 0.2%), and has an allele count higher than expected for a pathogenic variant. This variant has not been reported in the literature in individuals affected with PLD3-related conditions. ClinVar contains an entry for this variant (Variation ID: 2175370). An algorithm developed to predict the effect of missense changes on protein structure and function outputs the following: PolyPhen-2: "Benign". The threonine amino acid residue is found in multiple mammalian species, which suggests that this missense change does not adversely affect protein function. In summary, the available evidence is currently insufficient to determine the role of this variant in disease. Therefore, it has been classified as a Variant of Uncertain Significance.